The following is an entry in ClinVar:

ClinVar aggregate classification (germline): Benign/Likely benign. Review status: criteria provided, multiple submitters, no conflicts (2 of 4 stars). 3 submissions from 3 submitters: Benign (1); Likely benign (2). Last evaluated 2026-06-15.

Conditions:
Hereditary cancer-predisposing syndrome. Also called: Neoplastic Syndromes, Hereditary; Hereditary Cancer Syndrome; Hereditary neoplastic syndrome; Tumor predisposition. Identifiers: Orphanet 140162, MedGen C0027672, MeSH D009386, MONDO:0015356.
Gastrointestinal stromal tumor. Also called: Gastrointestinal stroma tumor; Gastrointestinal stromal tumor, somatic. Identifiers: Orphanet 44890, MedGen C0238198, MeSH D046152, MONDO:0011719, OMIM 606764, HP:0100723.
Polyps, multiple and recurrent inflammatory fibroid, gastrointestinal. Identifiers: MedGen C5193005, MONDO:0008285, OMIM 175510.

Allele frequency attached by ClinVar (database versions not stated): TOPMed below 0.00001; gnomAD exomes 0.00006 and 0.00012; ExAC 0.00018.
gnomAD v4.1: 80 of 1,614,166 alleles (0.005%); highest among the groups gnomAD compares: South Asian, 0.086%; no homozygotes.

Submissions (3):

Myriad Genetics, Inc.
Classification: Likely benign for Polyps, multiple and recurrent inflammatory fibroid, gastrointestinal. Last evaluated: 2026-06-15. Review status: criteria provided, single submitter. Criteria: Myriad Autosomal Dominant, Autosomal Recessive and X-Linked Classification Criteria (2023). Collection method: clinical testing. Allele origin: unknown.
Comment: This variant is considered likely benign. This variant is intronic and is not expected to impact mRNA splicing.

Labcorp Genetics (formerly Invitae), Labcorp
Classification: Likely benign for Gastrointestinal stromal tumor. Last evaluated: 2026-02-02. Review status: criteria provided, single submitter. Criteria: Invitae Variant Classification Sherloc (09022015). Collection method: clinical testing. Allele origin: germline.

Ambry Genetics
Classification: Benign for Hereditary cancer-predisposing syndrome. Last evaluated: 2024-03-20. Review status: criteria provided, single submitter. Criteria: Ambry Variant Classification Scheme 2023. Collection method: clinical testing. Allele origin: germline.

NM_006206.6(PDGFRA):c.1654-3T>C

Gene: PDGFRA (platelet derived growth factor receptor alpha; plus strand). Cytogenetic location: 4q12.
Variant type: single nucleotide variant.
Coding change: c.1654-3T>C on transcript NM_006206.6 (MANE Select); 3 bases into the intron before coding-DNA position 1654, T replaced by C.
Molecular consequence: intron variant.
Genome position (GRCh38, 1-based): chr4:54,274,838, T>C. VCF-style: chr4-54274838-T-C. GRCh37 (hg19) VCF-style: chr4-55141005-T-C.
Other names: c.1729-3T>C (NM_001347828.2); c.1654-3T>C (NM_001347827.2, NM_001347829.2, NM_006206.4); c.1693-3T>C (NM_001347830.2).
Identifiers: ClinVar variation 1100682 (VCV001100682.11), dbSNP rs768625691, ClinGen allele CA2922655.